The following is an entry in ClinVar:

NM_001142966.3(GREB1L):c.5695C>T (p.Arg1899Cys)

Gene: GREB1L (GREB1 like retinoic acid receptor coactivator; plus strand). Cytogenetic location: 18q11.2.
Variant type: single nucleotide variant.
Coding change: c.5695C>T on transcript NM_001142966.3 (MANE Select); coding-DNA position 5695, C replaced by T.
Protein change: p.Arg1899Cys; replaces arginine 1899 with cysteine.
Molecular consequence: missense variant.
Genome position (GRCh38, 1-based): chr18:21,522,744, C>T. VCF-style: chr18-21522744-C-T. GRCh37 (hg19) VCF-style: chr18-19102705-C-T.
Other names: c.5824C>T, p.Arg1942Cys (NM_001410867.1); c.5368C>T, p.Arg1790Cys (NM_001410868.1); short protein forms R1899C, R1942C, R1790C.
Identifiers: ClinVar variation 4978988 (VCV004978988.1).

ClinVar aggregate classification (germline): Uncertain significance (1 of 4 stars; one submission).

Conditions:
GREB1L-related disorder. Also called: GREB1L-related condition.

gnomAD v4.1: 20 of 1,551,528 alleles (0.0013%); highest among the groups gnomAD compares: African/African-American, 0.0027%; no homozygotes.

Submission:

PreventionGenetics, part of Exact Sciences
Classification: Uncertain significance for GREB1L-related condition. Last evaluated: 2024-11-21. Review status: criteria provided, single submitter. Criteria: ACMG Guidelines, 2015. Collection method: clinical testing. Allele origin: germline.
Comment: The GREB1L c.5695C>T variant is predicted to result in the amino acid substitution p.Arg1899Cys. To our knowledge, this variant has not been reported in the literature. This variant is reported in 0.0017% of alleles in individuals of European (Non-Finnish) descent in gnomAD. At this time, the clinical significance of this variant is uncertain due to the absence of conclusive functional and genetic evidence.